The following is an entry in ClinVar:

NM_001378454.1(ALMS1):c.8779C>T (p.Arg2927Ter)

Gene: ALMS1 (ALMS1 centrosome and basal body associated protein; plus strand). Cytogenetic location: 2p13.1.
Variant type: single nucleotide variant.
Coding change: c.8779C>T on transcript NM_001378454.1 (MANE Select); coding-DNA position 8779, C replaced by T.
Protein change: p.Arg2927Ter; replaces arginine 2927 with a stop codon.
Molecular consequence: nonsense.
Genome position (GRCh38, 1-based): chr2:73,490,738, C>T. VCF-style: chr2-73490738-C-T. GRCh37 (hg19) VCF-style: chr2-73717865-C-T.
Other names: c.8782C>T, p.Arg2928Ter (NM_015120.4); c.8776C>T (NM_015120.2); short protein forms R2927*, R2928*.
Identifiers: ClinVar variation 977952 (VCV000977952.22), dbSNP rs376244626, ClinGen allele CA1714541.

ClinVar aggregate classification (germline): Pathogenic. Review status: criteria provided, multiple submitters, no conflicts (2 of 4 stars). 9 submissions from 9 submitters: Pathogenic (8). 1 of the submissions does not count toward it. Last evaluated 2026-01-27.

Conditions:
ALMS1-related disorder. Also called: ALMS1-related condition.
Cardiovascular phenotype. Identifiers: MedGen CN230736.
Retinal dystrophy. Also called: Inherited retinal dystrophy. Identifiers: Orphanet 71862, MedGen C0854723, MeSH D058499, MONDO:0019118, HP:0000556.
Alstrom syndrome (ALMS). Identifiers: Orphanet 64, MedGen C0268425, MONDO:0008763, OMIM 203800.

Allele frequency attached by ClinVar (database versions not stated): TOPMed 0.00001.
gnomAD v4.1: 13 of 1,613,980 alleles (0.00081%); highest among the groups gnomAD compares: South Asian, 0.0044%; no homozygotes.

Submissions (9):

Natera, Inc.
Classification: Pathogenic for Alstrom syndrome. Last evaluated: 2026-01-27. Review status: criteria provided, single submitter. Criteria: Natera Variant Classification Schema (03/2026). Collection method: clinical testing. Allele origin: germline.
Comment: The c.8782C>T variant in ALMS1 is a nonsense variant predicted to introduce a stop codon at amino acid 2928. This variant is expected to result in nonsense mediated decay, truncation, or a dysfunctional protein product. This variant is rare in the general population with a frequency below the threshold expected for the associated phenotype(s). This variant has been observed in one or more individuals affected with the associated recessive disease, as either homozygous or compound heterozygous with a second variant (PMID: 29193673). Given the available evidence, this variant is classified as Pathogenic.

Ambry Genetics
Classification: Pathogenic for Cardiovascular phenotype. Last evaluated: 2025-06-11. Review status: criteria provided, single submitter. Criteria: Ambry Variant Classification Scheme 2023. Collection method: clinical testing. Allele origin: germline.
Comment: The p.R2928* pathogenic mutation (also known as c.8782C>T), located in coding exon 10 of the ALMS1 gene, results from a C to T substitution at nucleotide position 8782. This changes the amino acid from an arginine to a stop codon within coding exon 10. This variant (also referred to as p.R2926*, c.8776C>T) has been detected in the homozygous state and in the compound heterozygous state with other ALMS1 variants in several individuals reported to have Alstrom sydrome (AS) or features consistent with AS (Marshall JD et al. Hum Mutat, 2007 Nov;28:1114-23; Pereiro I et al. Eur J Hum Genet, 2011 Apr;19:485-8; Corbetti F et al. Int J Cardiol, 2013 Aug;167:1257-63; Khan AO et al. Ophthalmology, 2015 Aug;122:1726-7.e2; Kim MK et al. Diabetes Metab J, 2015 Oct;39:439-43; Xu Y et al. Exp Eye Res, 2016 08;149:93-99; Nasser F et al. Acta Ophthalmol, 2018 Jun;96:e445-e454; Hirano M et al. J Hum Genet, 2020 Oct;65:847-853). In addition to the clinical data presented in the literature, this alteration is expected to result in loss of function by premature protein truncation or nonsense-mediated mRNA decay. As such, this alteration is interpreted as a disease-causing mutation.

Labcorp Genetics (formerly Invitae), Labcorp
Classification: Pathogenic for Alstrom syndrome. Last evaluated: 2025-02-26. Review status: criteria provided, single submitter. Criteria: Invitae Variant Classification Sherloc (09022015). Collection method: clinical testing. Allele origin: germline.
Comment: This sequence change creates a premature translational stop signal (p.Arg2928*) in the ALMS1 gene. It is expected to result in an absent or disrupted protein product. Loss-of-function variants in ALMS1 are known to be pathogenic (PMID: 17594715). This variant is present in population databases (rs376244626, gnomAD 0.007%). This premature translational stop signal has been observed in individual(s) with Alstrom syndrome (PMID: 17594715, 26566502, 29193673). In at least one individual the data is consistent with being in trans (on the opposite chromosome) from a pathogenic variant. This variant is also known as p.Arg2926X. ClinVar contains an entry for this variant (Variation ID: 977952). For these reasons, this variant has been classified as Pathogenic.

GeneDx
Classification: Pathogenic. Last evaluated: 2024-12-26. Review status: criteria provided, single submitter. Criteria: GeneDx Variant Classification Process June 2021. Collection method: clinical testing. Allele origin: germline. Affected: yes.
Comment: Nonsense variant predicted to result in protein truncation or nonsense mediated decay in a gene for which loss of function is a known mechanism of disease; Not observed at significant frequency in large population cohorts (gnomAD); This variant is associated with the following publications: (PMID: 32531858, 32870709, 30054919, 27375279, 25864795, 17594715, 21157496, 38576930, 32451492, 26566502, 22498418, 29193673)

Genomic Medicine Center of Excellence, King Faisal Specialist Hospital and Research Centre
Classification: Pathogenic for Alstrom syndrome. Last evaluated: 2024-03-17. Review status: criteria provided, single submitter. Criteria: ACMG Guidelines, 2015. Collection method: research. Allele origin: germline.

Fulgent Genetics
Classification: Pathogenic for Alstrom syndrome. Last evaluated: 2021-07-22. Review status: criteria provided, single submitter. Criteria: ACMG Guidelines, 2015. Collection method: clinical testing. Allele origin: unknown.

Blueprint Genetics
Classification: Pathogenic for ALMS1-related disorders. Last evaluated: 2020-03-05. Review status: criteria provided, single submitter. Criteria: ACMG Guidelines, 2015. Collection method: clinical testing. Allele origin: germline. Affected: yes. Observed: 1 variant allele.

Institute of Human Genetics, Univ. Regensburg, Univ. Regensburg
Classification: Pathogenic for Retinal dystrophy. Last evaluated: 2009-01-01. Review status: criteria provided, single submitter. Criteria: ACMG Guidelines, 2015. Collection method: clinical testing. Allele origin: germline. Affected: yes.

Laboratory of Genetics in Ophthalmology, Institut Imagine
Classification: Pathogenic for Alstrom syndrome. Review status: no assertion criteria provided. Collection method: research. Allele origin: inherited. Affected: yes. Observed: 1 variant allele. Not counted in ClinVar's aggregate classification.

Literature cited by the submitters: PubMed 29193673 (cited by 4 submitters); PubMed 17594715 (cited by 4 submitters); PubMed 21157496 (cited by Ambry Genetics); PubMed 22498418 (cited by Ambry Genetics); PubMed 25846608 (cited by Ambry Genetics); PubMed 25864795 (cited by Ambry Genetics); PubMed 26566502 (cited by 3 submitters); PubMed 27375279 (cited by Ambry Genetics); PubMed 32451492 (cited by Ambry Genetics and Institute of Human Genetics, Univ. Regensburg, Univ. Regensburg); PubMed 30054919 (cited by Institute of Human Genetics, Univ. Regensburg, Univ. Regensburg); PubMed 32870709 (cited by Institute of Human Genetics, Univ. Regensburg, Univ. Regensburg); PubMed 32531858 (cited by Institute of Human Genetics, Univ. Regensburg, Univ. Regensburg).